The following is an entry in ClinVar:

NM_002299.4(LCT):c.2339A>G (p.Asn780Ser)

Gene: LCT (lactase; minus strand). Cytogenetic location: 2q21.3.
Variant type: single nucleotide variant.
Coding change: c.2339A>G on transcript NM_002299.4 (MANE Select); coding-DNA position 2339, A replaced by G.
Protein change: p.Asn780Ser; replaces asparagine 780 with serine.
Molecular consequence: missense variant.
Genome position (GRCh38, 1-based): chr2:135,812,325, T>C on the plus strand (A>G on the coding strand, the complement: LCT is on the minus strand). VCF-style: chr2-135812325-T-C. GRCh37 (hg19) VCF-style: chr2-136569895-T-C.
Other names: c.2339A>G (NM_002299.2); short protein forms N780S.
Identifiers: ClinVar variation 1399709 (VCV001399709.6), dbSNP rs1324490615, ClinGen allele CA348603574.

ClinVar aggregate classification (germline): Uncertain significance. Review status: criteria provided, multiple submitters, no conflicts (2 of 4 stars). 2 submissions from 2 submitters: Uncertain significance (2). Last evaluated 2025-03-22.

Conditions:
Inborn genetic diseases. Identifiers: MedGen C0950123, MeSH D030342.

Allele frequency attached by ClinVar (database versions not stated): gnomAD exomes 0.00001 and 0.00004; TOPMed 0.00001; gnomAD 0.00001.
gnomAD v4.1: 56 of 1,613,408 alleles (0.0035%); highest among the groups gnomAD compares: Non-Finnish European, 0.0043%; no homozygotes.

Submissions (2):

Ambry Genetics
Classification: Uncertain significance for Inborn genetic diseases. Last evaluated: 2025-03-22. Review status: criteria provided, single submitter. Criteria: Ambry Variant Classification Scheme 2023. Collection method: clinical testing. Allele origin: germline.

Labcorp Genetics (formerly Invitae), Labcorp
Classification: Uncertain significance. Last evaluated: 2021-09-24. Review status: criteria provided, single submitter. Criteria: Invitae Variant Classification Sherloc (09022015). Collection method: clinical testing. Allele origin: germline.
Comment: This sequence change replaces asparagine with serine at codon 780 of the LCT protein (p.Asn780Ser). The asparagine residue is highly conserved and there is a small physicochemical difference between asparagine and serine. This variant is not present in population databases (ExAC no frequency). This variant has not been reported in the literature in individuals with LCT-related conditions. Algorithms developed to predict the effect of missense changes on protein structure and function output the following: SIFT: "Not Available"; PolyPhen-2: "Benign"; Align-GVGD: "Not Available". The serine amino acid residue is found in multiple mammalian species, suggesting that this missense change does not adversely affect protein function. These predictions have not been confirmed by published functional studies and their clinical significance is uncertain. In summary, the available evidence is currently insufficient to determine the role of this variant in disease. Therefore, it has been classified as a Variant of Uncertain Significance.